The following is an entry in ClinVar:

NM_000090.4(COL3A1):c.996A>G (p.Pro332=)

Gene: COL3A1 (collagen type III alpha 1 chain; plus strand). Cytogenetic location: 2q32.2.
Variant type: single nucleotide variant.
Coding change: c.996A>G on transcript NM_000090.4 (MANE Select); coding-DNA position 996, A replaced by G.
Protein change: p.Pro332=; no amino-acid change (proline 332 retained).
Molecular consequence: synonymous variant.
Genome position (GRCh38, 1-based): chr2:188,992,228, A>G. VCF-style: chr2-188992228-A-G. GRCh37 (hg19) VCF-style: chr2-189856954-A-G.
Identifiers: ClinVar variation 946094 (VCV000946094.12), dbSNP rs1229792348, ClinGen allele CA430309270.

ClinVar aggregate classification (germline): Conflicting classifications of pathogenicity. Review status: criteria provided, conflicting classifications (1 of 4 stars). 3 submissions from 3 submitters: Uncertain significance (1); Likely benign (2). Last evaluated 2024-11-26.

Conditions:
Familial thoracic aortic aneurysm and aortic dissection (TAAD). Also called: Thoracic aortic aneurysms and dissections. Identifiers: Orphanet 91387, MedGen C4707243, MONDO:0019625.
Ehlers-Danlos syndrome, type 4 (EDSVASC). Also called: Ehlers-Danlos syndrome vascular type; Ehlers Danlos syndrome, ecchymotic type; Ehlers Danlos syndrome, arterial type; Ehlers Danlos syndrome, Sack-Barabas type; Ehlers-Danlos Syndrome Type IV. Identifiers: Orphanet 286, MedGen C0268338, MONDO:0017314, OMIM 130050.

Allele frequency attached by ClinVar (database versions not stated): gnomAD exomes below 0.00001 and 0.00001; TOPMed below 0.00001; gnomAD 0.00001.
gnomAD v4.1: 10 of 1,613,702 alleles (0.00062%); highest among the groups gnomAD compares: South Asian, 0.0033%; no homozygotes.

Submissions (3):

Labcorp Genetics (formerly Invitae), Labcorp
Classification: Uncertain significance for Ehlers-Danlos syndrome, type 4. Last evaluated: 2024-11-26. Review status: criteria provided, single submitter. Criteria: Invitae Variant Classification Sherloc (09022015). Collection method: clinical testing. Allele origin: germline.
Comment: This sequence change affects codon 332 of the COL3A1 mRNA. It is a 'silent' change, meaning that it does not change the encoded amino acid sequence of the COL3A1 protein. It affects a nucleotide within the consensus splice site. This variant is present in population databases (no rsID available, gnomAD 0.003%). This variant has not been reported in the literature in individuals affected with COL3A1-related conditions. ClinVar contains an entry for this variant (Variation ID: 946094). Algorithms developed to predict the effect of sequence changes on RNA splicing suggest that this variant is not likely to affect RNA splicing. In summary, the available evidence is currently insufficient to determine the role of this variant in disease. Therefore, it has been classified as a Variant of Uncertain Significance.

All of Us Research Program, National Institutes of Health
Classification: Likely benign for Ehlers-Danlos syndrome, type 4. Last evaluated: 2023-11-20. Review status: criteria provided, single submitter. Criteria: ACMG Guidelines, 2015. Collection method: clinical testing. Allele origin: germline. Inheritance: Autosomal dominant inheritance. Observed: 3 variant alleles, 3 heterozygotes.
Comment: This study involves interpretation of variants in research participants for the purpose of population health screening. Participant phenotype was not available at the time of variant classification. Additional details can be found in publication PMID: 35346344, PMCID: PMC8962531

Color Diagnostics, LLC DBA Color Health
Classification: Likely benign for Familial thoracic aortic aneurysm and aortic dissection. Last evaluated: 2020-05-26. Review status: criteria provided, single submitter. Criteria: ACMG Guidelines, 2015. Collection method: clinical testing. Allele origin: germline.